The following is an entry in ClinVar:

NM_001080453.3(INTS1):c.4227C>T (p.Leu1409=)

Gene: INTS1 (integrator complex subunit 1; minus strand). Cytogenetic location: 7p22.3.
Variant type: single nucleotide variant.
Coding change: c.4227C>T on transcript NM_001080453.3 (MANE Select); coding-DNA position 4227, C replaced by T.
Protein change: p.Leu1409=; no amino-acid change (leucine 1409 retained).
Molecular consequence: synonymous variant.
Genome position (GRCh38, 1-based): chr7:1,479,532, G>A on the plus strand (C>T on the coding strand, the complement: INTS1 is on the minus strand). VCF-style: chr7-1479532-G-A. GRCh37 (hg19) VCF-style: chr7-1519168-G-A.
Other names: c.744C>T, p.Leu248= (NM_015674.1).
Identifiers: ClinVar variation 3026118 (VCV003026118.22), dbSNP rs1333370048, ClinGen allele CA453621780.
Genomic context (GRCh38, chr7:1,479,532, plus strand): 5'-GTGGCTACGGTGCATGGACATCACCAGGGCACCGCCGTGTGGGGAGCTGAGCAGGGTGGC[G>A]AGGGCCTGCAGGACACGCACCGTGATGCCCGGCACCTCGGGGCTGCCCTGGACGACGCGG-3'
Protein context (NP_001073922.2, residues 1399-1419): PGITVRVLQA[Leu1409=]ATLLSSPHGG

ClinVar aggregate classification (germline): Likely benign (1 of 4 stars; one submission).

Allele frequency attached by ClinVar (database versions not stated): gnomAD exomes 0.00001; TOPMed 0.00001; gnomAD 0.00002.

Submission:

CeGaT Center for Human Genetics Tuebingen
Classification: Likely benign. Last evaluated: 2026-01-01. Review status: criteria provided, single submitter. Criteria: CeGaT Center For Human Genetics Tuebingen Variant Classification Criteria Version 2. Collection method: clinical testing. Allele origin: germline. Affected: yes. Observed: 2 variant alleles.
Comment: INTS1: BP4, BP7